The following is an entry in ClinVar:

NM_170606.3(KMT2C):c.13633G>A (p.Asp4545Asn)

Gene: KMT2C (lysine methyltransferase 2C; minus strand). Cytogenetic location: 7q36.1.
Variant type: single nucleotide variant.
Coding change: c.13633G>A on transcript NM_170606.3 (MANE Select); coding-DNA position 13633, G replaced by A.
Protein change: p.Asp4545Asn; replaces aspartic acid 4545 with asparagine.
Molecular consequence: missense variant.
Genome position (GRCh38, 1-based): chr7:152,148,294, C>T on the plus strand (G>A on the coding strand, the complement: KMT2C is on the minus strand). VCF-style: chr7-152148294-C-T. GRCh37 (hg19) VCF-style: chr7-151845379-C-T.
Other names: short protein forms D4545N.
Identifiers: ClinVar variation 1908156 (VCV001908156.5), dbSNP rs1219418314, ClinGen allele CA370090219.

ClinVar aggregate classification (germline): Uncertain significance (1 of 4 stars; one submission).

Submission:

Labcorp Genetics (formerly Invitae), Labcorp
Classification: Uncertain significance. Last evaluated: 2025-02-17. Review status: criteria provided, single submitter. Criteria: Invitae Variant Classification Sherloc (09022015). Collection method: clinical testing. Allele origin: germline.
Comment: This sequence change replaces aspartic acid, which is acidic and polar, with asparagine, which is neutral and polar, at codon 4545 of the KMT2C protein (p.Asp4545Asn). This variant is not present in population databases (gnomAD no frequency). This variant has not been reported in the literature in individuals affected with KMT2C-related conditions. ClinVar contains an entry for this variant (Variation ID: 1908156). An algorithm developed to predict the effect of missense changes on protein structure and function (PolyPhen-2) suggests that this variant is likely to be disruptive. In summary, the available evidence is currently insufficient to determine the role of this variant in disease. Therefore, it has been classified as a Variant of Uncertain Significance.